The following is an entry in ClinVar:

NM_000051.4(ATM):c.800C>G (p.Thr267Ser)

Gene: ATM (ATM serine/threonine kinase; plus strand). Cytogenetic location: 11q22.3.
Variant type: single nucleotide variant.
Coding change: c.800C>G on transcript NM_000051.4 (MANE Select); coding-DNA position 800, C replaced by G.
Protein change: p.Thr267Ser; replaces threonine 267 with serine.
Molecular consequence: missense variant.
Genome position (GRCh38, 1-based): chr11:108,244,925, C>G. VCF-style: chr11-108244925-C-G. GRCh37 (hg19) VCF-style: chr11-108115652-C-G.
Other names: c.800C>G, p.Thr267Ser (NM_001351834.2); short protein forms T267S.
Identifiers: ClinVar variation 1305708 (VCV001305708.2), dbSNP rs2135241349, ClinGen allele CA382529372.

ClinVar aggregate classification (germline): Uncertain significance (1 of 4 stars; one submission).

Submission:

GeneDx
Classification: Uncertain significance. Last evaluated: 2019-05-02. Review status: criteria provided, single submitter. Criteria: GeneDx Variant Classification Process June 2021. Collection method: clinical testing. Allele origin: germline. Affected: yes.
Comment: Not observed in large population cohorts (Lek et al., 2016); In silico analysis, which includes protein predictors and evolutionary conservation, supports that this variant does not alter protein structure/function; Has not been previously published as pathogenic or benign to our knowledge